The following is an entry in ClinVar:

NM_001148.6(ANK2):c.11779C>A (p.Pro3927Thr)

Gene: ANK2 (ankyrin 2; plus strand). Cytogenetic location: 4q26.
Variant type: single nucleotide variant.
Coding change: c.11779C>A on transcript NM_001148.6 (MANE Select); coding-DNA position 11779, C replaced by A.
Protein change: p.Pro3927Thr; replaces proline 3927 with threonine.
Molecular consequence: missense variant. On other transcripts: intron variant (9).
Genome position (GRCh38, 1-based): chr4:113,373,369, C>A. VCF-style: chr4-113373369-C-A. GRCh37 (hg19) VCF-style: chr4-114294525-C-A.
Other names: c.5497C>A, p.Pro1833Thr (NM_001127493.3); c.5536C>A, p.Pro1846Thr (NM_001354225.2); c.5518C>A, p.Pro1840Thr (NM_001354228.2); c.5503C>A, p.Pro1835Thr (NM_001354230.2); c.5659C>A, p.Pro1887Thr (NM_001354231.2); c.5653C>A, p.Pro1885Thr (NM_001354232.2); c.5614C>A, p.Pro1872Thr (NM_001354235.2); c.5422C>A, p.Pro1808Thr (NM_001354236.2); and 50 more; short protein forms P1742T, P1747T, P1755T, P1784T, P1800T, P1808T, P1809T, P1832T.
Identifiers: ClinVar variation 4737975 (VCV004737975.1).

ClinVar aggregate classification (germline): Uncertain significance (1 of 4 stars; one submission).

Conditions:
Long QT syndrome (LQTS). Identifiers: MedGen C0023976, MeSH D008133, MONDO:0002442. Disease mechanism: loss of function. Inheritance: Various modes of inheritance.

gnomAD v4.1: 2 of 1,614,116 alleles (0.00012%); highest among the groups gnomAD compares: Non-Finnish European, 0.00017%; no homozygotes.

Submission:

Labcorp Genetics (formerly Invitae), Labcorp
Classification: Uncertain significance for Long QT syndrome. Last evaluated: 2025-12-17. Review status: criteria provided, single submitter. Criteria: Invitae Variant Classification Sherloc (09022015). Collection method: clinical testing. Allele origin: germline.
Comment: This sequence change replaces proline, which is neutral and non-polar, with threonine, which is neutral and polar, at codon 3927 of the ANK2 protein (p.Pro3927Thr). This variant is not present in population databases (gnomAD no frequency). This variant has not been reported in the literature in individuals affected with ANK2-related conditions. An algorithm developed to predict the effect of missense changes on protein structure and function (PolyPhen-2) suggests that this variant is likely to be disruptive. In summary, the available evidence is currently insufficient to determine the role of this variant in disease. Therefore, it has been classified as a Variant of Uncertain Significance.